The following is an entry in ClinVar:

NM_053025.4(MYLK):c.4995C>T (p.Asn1665=)

Genes: MYLK (myosin light chain kinase; minus strand), MYLK-AS1 (MYLK antisense RNA 1; plus strand), LOC126806791 (MED14-independent group 3 enhancer GRCh37_chr3:123347871-123349070; plus strand). Cytogenetic location: 3q21.1.
Variant type: single nucleotide variant.
Coding change: c.4995C>T on transcript NM_053025.4 (MANE Select); coding-DNA position 4995, C replaced by T.
Protein change: p.Asn1665=; no amino-acid change (asparagine 1665 retained).
Molecular consequence: synonymous variant. On other transcripts: non-coding transcript variant (2), intron variant (2).
Genome position (GRCh38, 1-based): chr3:123,629,593, G>A on the plus strand (C>T on the coding strand, the complement: MYLK is on the minus strand). VCF-style: chr3-123629593-G-A. GRCh37 (hg19) VCF-style: chr3-123348440-G-A.
Other names: c.4467C>T, p.Asn1489= (NM_001321309.2); c.4788C>T, p.Asn1596= (NM_053026.4); c.4755-2652C>T (NM_053028.4); c.4962-2652C>T (NM_053027.4).
Identifiers: ClinVar variation 513337 (VCV000513337.6), dbSNP rs1293013474, ClinGen allele CA435302803.
Genomic context (GRCh38, chr3:123,629,593, plus strand): 5'-GAATGCCTCGTCGTCGAAGTCCCAGGTGGCTGAGGTAACGTTGGCCAAGGTTTCGTTATC[G>A]TTGTCTCCCATGAAGGGGGAAAGGCCACTGACTCTGGAGAGACAAGAGCAGGACAGCAGG-3'
Protein context (NP_444253.3, residues 1655-1675): VSGLSPFMGD[Asn1665=]DNETLANVTS

ClinVar aggregate classification (germline): Likely benign. Review status: criteria provided, multiple submitters, no conflicts (2 of 4 stars). 4 submissions from 4 submitters: Likely benign (4). Last evaluated 2026-02-16.

Conditions:
Aortic aneurysm, familial thoracic 7 (AAT7). Also called: AORTIC DISSECTION, FAMILIAL, WITH OR WITHOUT AORTIC ANEURYSM. Identifiers: MedGen C3151077, MONDO:0013418, OMIM 613780.
Familial thoracic aortic aneurysm and aortic dissection (TAAD). Also called: Thoracic aortic aneurysms and dissections. Identifiers: Orphanet 91387, MedGen C4707243, MONDO:0019625.

Allele frequency attached by ClinVar (database versions not stated): gnomAD 0.00001; gnomAD exomes 0.00001 and below 0.00001; TOPMed below 0.00001.

Submissions (4):

Women's Health and Genetics/Laboratory Corporation of America, LabCorp
Classification: Likely benign. Last evaluated: 2026-02-16. Review status: criteria provided, single submitter. Criteria: LabCorp Variant Classification Summary - May 2015. Collection method: clinical testing. Allele origin: germline.

Ambry Genetics
Classification: Likely benign for Familial thoracic aortic aneurysm and aortic dissection. Last evaluated: 2025-04-12. Review status: criteria provided, single submitter. Criteria: Ambry Variant Classification Scheme 2023. Collection method: clinical testing. Allele origin: germline.

Labcorp Genetics (formerly Invitae), Labcorp
Classification: Likely benign for Aortic aneurysm, familial thoracic 7. Last evaluated: 2025-01-22. Review status: criteria provided, single submitter. Criteria: Invitae Variant Classification Sherloc (09022015). Collection method: clinical testing. Allele origin: germline.

GeneDx
Classification: Likely benign. Last evaluated: 2017-11-15. Review status: criteria provided, single submitter. Criteria: GeneDx Variant Classification (06012015). Collection method: clinical testing. Allele origin: germline. Affected: yes.
Comment: This variant is considered likely benign or benign based on one or more of the following criteria: it is a conservative change, it occurs at a poorly conserved position in the protein, it is predicted to be benign by multiple in silico algorithms, and/or has population frequency not consistent with disease.